The following is an entry in ClinVar:

NM_001322934.2(NFKB2):c.2488G>A (p.Gly830Ser)

Gene: NFKB2 (nuclear factor kappa B subunit 2; plus strand). Cytogenetic location: 10q24.32.
Variant type: single nucleotide variant.
Coding change: c.2488G>A on transcript NM_001322934.2 (MANE Select); coding-DNA position 2488, G replaced by A.
Protein change: p.Gly830Ser; replaces glycine 830 with serine.
Molecular consequence: missense variant.
Genome position (GRCh38, 1-based): chr10:102,402,069, G>A. VCF-style: chr10-102402069-G-A. GRCh37 (hg19) VCF-style: chr10-104161826-G-A.
Other names: c.2488G>A, p.Gly830Ser (NM_001077494.3, NM_001261403.3, NM_001288724.1 and 1 more transcripts); c.2362G>A, p.Gly788Ser (NM_001322935.1); short protein forms G788S, G830S.
Identifiers: ClinVar variation 3644668 (VCV003644668.2).

ClinVar aggregate classification (germline): Uncertain significance (1 of 4 stars; one submission).

Conditions:
Immunodeficiency, common variable, 10. Also called: IMMUNODEFICIENCY, COMMON VARIABLE, WITH CENTRAL ADRENAL INSUFFICIENCY; DEFICIT IN ANTERIOR PITUITARY FUNCTION AND VARIABLE IMMUNODEFICIENCY. Identifiers: MedGen C3809991, MONDO:0014260, OMIM 615577.

gnomAD v4.1: 2 of 1,571,598 alleles (0.00013%); highest among the groups gnomAD compares: Middle Eastern, 0.033%; no homozygotes.

Submission:

Labcorp Genetics (formerly Invitae), Labcorp
Classification: Uncertain significance for Immunodeficiency, common variable, 10. Last evaluated: 2024-08-14. Review status: criteria provided, single submitter. Criteria: Invitae Variant Classification Sherloc (09022015). Collection method: clinical testing. Allele origin: germline.
Comment: This sequence change replaces glycine, which is neutral and non-polar, with serine, which is neutral and polar, at codon 830 of the NFKB2 protein (p.Gly830Ser). This variant is not present in population databases (gnomAD no frequency). This variant has not been reported in the literature in individuals affected with NFKB2-related conditions. An algorithm developed to predict the effect of missense changes on protein structure and function (PolyPhen-2) suggests that this variant is likely to be disruptive. In summary, the available evidence is currently insufficient to determine the role of this variant in disease. Therefore, it has been classified as a Variant of Uncertain Significance.